The following is an entry in ClinVar:

NM_005228.5(EGFR):c.1195A>C (p.Lys399Gln)

Genes: EGFR (epidermal growth factor receptor; plus strand), LOC126860048 (P300/CBP strongly-dependent group 1 enhancer GRCh37_chr7:55223847-55225046; plus strand). Cytogenetic location: 7p11.2.
Variant type: single nucleotide variant.
Coding change: c.1195A>C on transcript NM_005228.5 (MANE Select); coding-DNA position 1195, A replaced by C.
Protein change: p.Lys399Gln; replaces lysine 399 with glutamine.
Molecular consequence: missense variant.
Genome position (GRCh38, 1-based): chr7:55,156,820, A>C. VCF-style: chr7-55156820-A-C. GRCh37 (hg19) VCF-style: chr7-55224513-A-C.
Other names: c.1195A>C, p.Lys399Gln (NM_201282.2, NM_201283.2, NM_201284.2 and 1 more transcripts); c.1060A>C, p.Lys354Gln (NM_001346897.2, NM_001346899.2); c.1036A>C, p.Lys346Gln (NM_001346900.2); c.394A>C, p.Lys132Gln (NM_001346941.2); short protein forms K346Q, K354Q, K399Q, K132Q.
Identifiers: ClinVar variation 5035776 (VCV005035776.1).

ClinVar aggregate classification (germline): Uncertain significance (1 of 4 stars; one submission).

Conditions:
Hereditary cancer-predisposing syndrome. Also called: Hereditary Cancer Syndrome; Neoplastic Syndromes, Hereditary; Tumor predisposition; Hereditary neoplastic syndrome. Identifiers: Orphanet 140162, MedGen C0027672, MeSH D009386, MONDO:0015356.

Submission:

Ambry Genetics
Classification: Uncertain significance for Hereditary cancer-predisposing syndrome. Last evaluated: 2026-07-07. Review status: criteria provided, single submitter. Criteria: Ambry Variant Classification Scheme 2023. Collection method: clinical testing. Allele origin: germline.
Comment: The p.K399Q variant (also known as c.1195A>C), located in coding exon 10 of the EGFR gene, results from an A to C substitution at nucleotide position 1195. The lysine at codon 399 is replaced by glutamine, an amino acid with similar properties. This amino acid position is conserved. In addition, the in silico prediction for this alteration is inconclusive. Based on the available evidence, the clinical significance of this variant remains unclear.